The following is an entry in ClinVar:

NM_006939.4(SOS2):c.1648C>G (p.Arg550Gly)

Gene: SOS2 (SOS Ras/Rho guanine nucleotide exchange factor 2; minus strand). Cytogenetic location: 14q21.3.
Variant type: single nucleotide variant.
Coding change: c.1648C>G on transcript NM_006939.4 (MANE Select); coding-DNA position 1648, C replaced by G.
Protein change: p.Arg550Gly; replaces arginine 550 with glycine.
Molecular consequence: missense variant.
Genome position (GRCh38, 1-based): chr14:50,159,635, G>C on the plus strand (C>G on the coding strand, the complement: SOS2 is on the minus strand). VCF-style: chr14-50159635-G-C. GRCh37 (hg19) VCF-style: chr14-50626353-G-C.
Other names: c.1648C>G (NM_006939.3); short protein forms R550G.
Identifiers: ClinVar variation 986082 (VCV000986082.8), dbSNP rs1344304906, ClinGen allele CA389645293.
Genomic context (GRCh38, chr14:50,159,635, plus strand): 5'-GACTTGGTAATCTCAGTGGTTGCTCATTTTCTTCTTTCAATAATACTGAATCTAACATTC[G>C]ATCTAGAGTACTACGATAATGAAGAGAAATAAGGGCTGCCATCCAGTTGTTTTTTTCTTC-3'
Protein context (NP_008870.2, residues 540-560): ISLHYRSTLD[Arg550Gly]MLDSVLLKEE

ClinVar aggregate classification (germline): Conflicting classifications of pathogenicity. Review status: criteria provided, conflicting classifications (1 of 4 stars). 3 submissions from 3 submitters: Likely pathogenic (1); Uncertain significance (1). 1 of the submissions does not count toward it. Last evaluated 2021-11-04.

Conditions:
Noonan syndrome 9 (NS9). Identifiers: Orphanet 648, MedGen C4225282, MONDO:0014691, OMIM 616559.
SOS2-related disorder. Also called: SOS2-related condition.
Cardiovascular phenotype. Identifiers: MedGen CN230736.

gnomAD v4.1: 1 of 1,613,380 alleles (0.000062%); no homozygotes.

Submissions (3):

MGZ Medical Genetics Center
Classification: Uncertain significance for Noonan syndrome 9. Last evaluated: 2021-11-04. Review status: criteria provided, single submitter. Criteria: ACMG Guidelines, 2015. Collection method: clinical testing. Allele origin: germline. Affected: yes. Observed: 1 variant allele.
Comment: ACMG criteria applied: PM2_SUP, PP3

Ambry Genetics
Classification: Likely pathogenic for Cardiovascular phenotype. Last evaluated: 2021-02-24. Review status: criteria provided, single submitter. Criteria: Ambry Variant Classification Scheme 2023. Collection method: clinical testing. Allele origin: germline.
Comment: The c.1648C>G (p.R550G) alteration is located in coding exon 10 of the SOS2 gene. This alteration results from a C to G substitution at nucleotide position 1648, causing the arginine (R) at amino acid position 550 to be replaced by a glycine (G). Based on data from the Genome Aggregation Database (gnomAD), the SOS2 c.1648C>G alteration was not observed, with coverage at this position. Multiple disease-causing alterations at the amino acid position corresponding to SOS2 p.R550 in a paralogous protein, SOS1, have been reported in affected individuals; these include SOS1 p.R552G, p.R552S, and p.R552K which have been reported in individuals with Noonan-syndrome and related disorders, including familial and de novo occurrences (Tartaglia, 2007; Roberts, 2007; Zenker, 2007; Neumann, 2009; Denayer, 2010; Ceyhan-Birsoy, 2018; Beneteau, 2009; Calcagni, 2016). This amino acid position is highly conserved in available vertebrate species. The p.R550G alteration is predicted to be deleterious by in silico analysis. Based on the available evidence, this alteration is classified as likely pathogenic.

PreventionGenetics, part of Exact Sciences
Classification: Uncertain significance for SOS2-related condition. Last evaluated: 2023-10-27. Review status: no assertion criteria provided. Collection method: clinical testing. Allele origin: germline. Not counted in ClinVar's aggregate classification.
Comment: The SOS2 c.1648C>G variant is predicted to result in the amino acid substitution p.Arg550Gly. To our knowledge, this variant has not been reported in the literature or in a large population database, indicating this variant is rare. At this time, the clinical significance of this variant is uncertain due to the absence of conclusive functional and genetic evidence.

Literature cited by the submitters: PubMed 17143282 (cited by Ambry Genetics); PubMed 17143285 (cited by Ambry Genetics); PubMed 17586837 (cited by Ambry Genetics); PubMed 18854871 (cited by Ambry Genetics); PubMed 19352411 (cited by Ambry Genetics); PubMed 19953625 (cited by Ambry Genetics); PubMed 26686981 (cited by Ambry Genetics); PubMed 29696744 (cited by Ambry Genetics).